The following is an entry in ClinVar:

ClinVar aggregate classification (germline): Likely pathogenic (1 of 4 stars; one submission).

Conditions:
Dilated cardiomyopathy 1G (CMD1G). Identifiers: Orphanet 154, MedGen C1858763, MONDO:0011400, OMIM 604145.
Autosomal recessive limb-girdle muscular dystrophy type 2J (LGMDR10). Also called: Limb-girdle muscular dystrophy, type 2J; MUSCULAR DYSTROPHY, LIMB-GIRDLE, AUTOSOMAL RECESSIVE 10. Identifiers: Orphanet 140922, MedGen C1837342, MONDO:0012127, OMIM 608807.

Allele frequency attached by ClinVar (database versions not stated): TOPMed below 0.00001.

Submission:

Labcorp Genetics (formerly Invitae), Labcorp
Classification: Likely pathogenic for Dilated cardiomyopathy 1G; Autosomal recessive limb-girdle muscular dystrophy type 2J. Last evaluated: 2022-08-20. Review status: criteria provided, single submitter. Criteria: Invitae Variant Classification Sherloc (09022015). Collection method: clinical testing. Allele origin: germline.
Comment: In summary, the currently available evidence indicates that the variant is pathogenic, but additional data are needed to prove that conclusively. Therefore, this variant has been classified as Likely Pathogenic. This variant is located in the A band of TTN (PMID: 25589632). Truncating variants in this region are significantly overrepresented in patients affected with dilated cardiomyopathy (PMID: 25589632). Truncating variants in this region have also been reported in individuals affected with autosomal recessive centronuclear myopathy (PMID: 23975875). This variant has not been reported in the literature in individuals affected with TTN-related conditions. This variant is not present in population databases (gnomAD no frequency). This sequence change creates a premature translational stop signal (p.Gln33532*) in the TTN gene. While this is not anticipated to result in nonsense mediated decay, it is expected to create a truncated TTN protein.

Literature cited by the submitters: PubMed 25589632; PubMed 23975875.

NM_001267550.2(TTN):c.100594C>T (p.Gln33532Ter)

Genes: TTN (titin; minus strand), TTN-AS1 (TTN antisense RNA 1; plus strand). Cytogenetic location: 2q31.2.
Variant type: single nucleotide variant.
Coding change: c.100594C>T on transcript NM_001267550.2 (MANE Select); coding-DNA position 100594, C replaced by T.
Protein change: p.Gln33532Ter; replaces glutamine 33532 with a stop codon.
Molecular consequence: nonsense.
Genome position (GRCh38, 1-based): chr2:178,536,153, G>A on the plus strand (C>T on the coding strand, the complement: TTN is on the minus strand). VCF-style: chr2-178536153-G-A. GRCh37 (hg19) VCF-style: chr2-179400880-G-A.
Other names: c.95671C>T, p.Gln31891Ter (NM_001256850.1); c.73399C>T, p.Gln24467Ter (NM_003319.4); c.92890C>T, p.Gln30964Ter (NM_133378.4); c.73774C>T, p.Gln24592Ter (NM_133432.3); c.73975C>T, p.Gln24659Ter (NM_133437.4); short protein forms Q24467*, Q24592*, Q30964*, Q33532*, Q24659*, Q31891*.
Identifiers: ClinVar variation 2025255 (VCV002025255.4), dbSNP rs1691405349, ClinGen allele CA349425333.